The following is an entry in ClinVar:

NM_030665.4(RAI1):c.1398_1400del (p.Lys466del)

Gene: RAI1 (retinoic acid induced 1; plus strand). Cytogenetic location: 17p11.2.
Variant type: Deletion.
Coding change: c.1398_1400del on transcript NM_030665.4 (MANE Select); coding-DNA positions 1398 to 1400, 3 bases deleted (GAA; older notation c.1398_1400delGAA).
Protein change: p.Lys466del; deletes lysine 466.
Molecular consequence: inframe deletion.
Genome position (GRCh38, 1-based): chr17:17,794,346-17,794,348, GAA deleted; deleting any 3 consecutive bases within chr17:17,794,344-17,794,348 gives the same sequence; the c. name uses the placement nearest the transcript's 3' end. VCF-style (leftmost placement, unchanged base first): chr17-17794343-CAAG-C. GRCh37 (hg19) VCF-style: chr17-17697657-CAAG-C.
Other names: short protein forms K466del.
Identifiers: ClinVar variation 2790328 (VCV002790328.3), dbSNP rs2508575596, ClinGen allele CA2739267247.
Genomic context (GRCh38, chr17:17,794,343, plus strand): 5'-CTCCAACACCGTCCAGCAGCTGCTGCTCTCCAAGGCTGCTGTGCCGCAGAAGAAAGGTGT[CAAG>C]AACCTCGTGTCCAGGACCCCAGAGCAGCATAAAAGCCAGCACTGCAGCCCCGAAGGGAGC-3'

ClinVar aggregate classification (germline): Uncertain significance (1 of 4 stars; one submission).

Submission:

Labcorp Genetics (formerly Invitae), Labcorp
Classification: Uncertain significance. Last evaluated: 2025-01-06. Review status: criteria provided, single submitter. Criteria: Invitae Variant Classification Sherloc (09022015). Collection method: clinical testing. Allele origin: germline.
Comment: This variant, c.1398_1400del, results in the deletion of 1 amino acid(s) of the RAI1 protein (p.Lys466del), but otherwise preserves the integrity of the reading frame. This variant is not present in population databases (gnomAD no frequency). This variant has not been reported in the literature in individuals affected with RAI1-related conditions. ClinVar contains an entry for this variant (Variation ID: 2790328). Experimental studies and prediction algorithms are not available or were not evaluated, and the functional significance of this variant is currently unknown. In summary, the available evidence is currently insufficient to determine the role of this variant in disease. Therefore, it has been classified as a Variant of Uncertain Significance.